The following is an entry in ClinVar:

NM_000053.4(ATP7B):c.2171A>G (p.His724Arg)

Gene: ATP7B (ATPase copper transporting beta; minus strand). Cytogenetic location: 13q14.3.
Variant type: single nucleotide variant.
Coding change: c.2171A>G on transcript NM_000053.4 (MANE Select); coding-DNA position 2171, A replaced by G.
Protein change: p.His724Arg; replaces histidine 724 with arginine.
Molecular consequence: missense variant. On other transcripts: intron variant (20).
Genome position (GRCh38, 1-based): chr13:51,958,495, T>C on the plus strand (A>G on the coding strand, the complement: ATP7B is on the minus strand). VCF-style: chr13-51958495-T-C. GRCh37 (hg19) VCF-style: chr13-52532631-T-C.
Other names: c.2171A>G (NM_000053.3); c.1838A>G, p.His613Arg (NM_001243182.2); c.1919A>G, p.His640Arg (NM_001330579.2, NM_001406531.1, NM_001406532.1 and 1 more transcripts); c.2171A>G, p.His724Arg (NM_001406511.1, NM_001406512.1, NM_001406513.1 and 7 more transcripts); c.2138A>G, p.His713Arg (NM_001406514.1); c.2075A>G, p.His692Arg (NM_001406517.1, NM_001406518.1); c.1742A>G, p.His581Arg (NM_001406539.1); c.1823A>G, p.His608Arg (NM_001406543.1); and 9 more; short protein forms H581R, H608R, H613R, H640R, H692R, H713R, H724R.
Identifiers: ClinVar variation 3070975 (VCV003070975.2), dbSNP rs2547716171, ClinGen allele CA388023046.

ClinVar aggregate classification (germline): Uncertain significance. Review status: criteria provided, multiple submitters, no conflicts (2 of 4 stars). 2 submissions from 2 submitters: Uncertain significance (2). Last evaluated 2024-02-17.

Conditions:
Wilson disease (WND). Also called: Wilson's disease. Identifiers: Orphanet 905, MedGen C0019202, MONDO:0010200, OMIM 277900. Disease mechanism: loss of function.
Inborn genetic diseases. Identifiers: MedGen C0950123, MeSH D030342.

Submissions (2):

Ambry Genetics
Classification: Uncertain significance for Inborn genetic diseases. Last evaluated: 2024-02-17. Review status: criteria provided, single submitter. Criteria: Ambry Variant Classification Scheme 2023. Collection method: clinical testing. Allele origin: germline.
Comment: The p.H724R variant (also known as c.2171A>G), located in coding exon 8 of the ATP7B gene, results from an A to G substitution at nucleotide position 2171. The histidine at codon 724 is replaced by arginine, an amino acid with highly similar properties. This amino acid position is conserved. In addition, this alteration is predicted to be deleterious by in silico analysis. Based on the available evidence, the clinical significance of this alteration remains unclear.

All of Us Research Program, National Institutes of Health
Classification: Uncertain significance for Wilson disease. Last evaluated: 2023-05-16. Review status: criteria provided, single submitter. Criteria: ACMG Guidelines, 2015. Collection method: clinical testing. Allele origin: germline. Inheritance: Autosomal recessive inheritance. Observed: 1 variant allele, 1 heterozygote.
Comment: This missense variant replaces histidine with arginine at codon 724 of the ATP7B protein. Computational prediction suggests that this variant may have deleterious impact on protein structure and function (internally defined REVEL score threshold >= 0.7, PMID: 27666373). To our knowledge, functional studies have not been reported for this variant. This variant has not been reported in individuals affected with ATP7B-related disorders in the literature. This variant has not been identified in the general population by the Genome Aggregation Database (gnomAD). The available evidence is insufficient to determine the role of this variant in disease conclusively. Therefore, this variant is classified as a Variant of Uncertain Significance.

This study involves interpretation of variants in research participants for the purpose of population health screening. Participant phenotype was not available at the time of variant classification. Additional details can be found in publication PMID: 35346344, PMCID: PMC8962531